The following is an entry in ClinVar:

ClinVar aggregate classification (germline): Conflicting classifications of pathogenicity. Review status: criteria provided, conflicting classifications (1 of 4 stars). 2 submissions from 2 submitters: Pathogenic (1); Uncertain significance (1). Last evaluated 2025-09-18.

Conditions:
Multiple congenital exostosis (EXT). Also called: Multiple exostoses; Hereditary multiple osteochondromas; Hereditary multiple exostoses; Hereditary multiple exostosis; Multiple osteochondromas; MULTIPLE CARTILAGINOUS EXOSTOSES. Identifiers: Orphanet 321, MedGen C0015306, MONDO:0005508, HP:0002762.

Submissions (2):

Labcorp Genetics (formerly Invitae), Labcorp
Classification: Pathogenic for Multiple congenital exostosis. Last evaluated: 2025-09-18. Review status: criteria provided, single submitter. Criteria: Invitae Variant Classification Sherloc (09022015). Collection method: clinical testing. Allele origin: germline.
Comment: This sequence change replaces aspartic acid, which is acidic and polar, with valine, which is neutral and non-polar, at codon 231 of the EXT1 protein (p.Asp231Val). This variant is not present in population databases (gnomAD no frequency). This missense change has been observed in individual(s) with multiple osteochondromas (PMID: 23439489; internal data). In at least one individual the variant was observed to be de novo. ClinVar contains an entry for this variant (Variation ID: 1703335). Invitae Evidence Modeling of protein sequence and biophysical properties (such as structural, functional, and spatial information, amino acid conservation, physicochemical variation, residue mobility, and thermodynamic stability) indicates that this missense variant is expected to disrupt EXT1 protein function with a positive predictive value of 80%. For these reasons, this variant has been classified as Pathogenic.

GeneDx
Classification: Uncertain significance. Last evaluated: 2022-08-09. Review status: criteria provided, single submitter. Criteria: GeneDx Variant Classification Process June 2021. Collection method: clinical testing. Allele origin: germline. Affected: yes.
Comment: In silico analysis supports that this missense variant has a deleterious effect on protein structure/function; Not observed at significant frequency in large population cohorts (gnomAD); This variant is associated with the following publications: (PMID: 23439489)

Literature cited by the submitters: PubMed 23439489 (cited by Labcorp Genetics (formerly Invitae), Labcorp).

NM_000127.3(EXT1):c.692A>T (p.Asp231Val)

Gene: EXT1 (exostosin glycosyltransferase 1; minus strand). Cytogenetic location: 8q24.11.
Variant type: single nucleotide variant.
Coding change: c.692A>T on transcript NM_000127.3 (MANE Select); coding-DNA position 692, A replaced by T.
Protein change: p.Asp231Val; replaces aspartic acid 231 with valine.
Molecular consequence: missense variant.
Genome position (GRCh38, 1-based): chr8:118,110,355, T>A on the plus strand (A>T on the coding strand, the complement: EXT1 is on the minus strand). VCF-style: chr8-118110355-T-A. GRCh37 (hg19) VCF-style: chr8-119122594-T-A.
Other names: short protein forms D231V.
Identifiers: ClinVar variation 1703335 (VCV001703335.5), dbSNP rs2488051129, ClinGen allele CA371915264.